The following is an entry in ClinVar:

ClinVar aggregate classification (germline): Uncertain significance. Review status: criteria provided, multiple submitters, no conflicts (2 of 4 stars). 2 submissions from 2 submitters: Uncertain significance (2). Last evaluated 2025-05-29.

Conditions:
Hereditary nonpolyposis colorectal neoplasms. Identifiers: MedGen C0009405, MeSH D003123.
Hereditary cancer-predisposing syndrome. Also called: Neoplastic Syndromes, Hereditary; Tumor predisposition; Hereditary neoplastic syndrome; Hereditary Cancer Syndrome. Identifiers: Orphanet 140162, MedGen C0027672, MeSH D009386, MONDO:0015356.

gnomAD v4.1: 1 of 1,613,254 alleles (0.000062%); highest among the groups gnomAD compares: Non-Finnish European, 0.000085%; no homozygotes.

Submissions (2):

Ambry Genetics
Classification: Uncertain significance for Hereditary cancer-predisposing syndrome. Last evaluated: 2025-05-29. Review status: criteria provided, single submitter. Criteria: Ambry Variant Classification Scheme 2023. Collection method: clinical testing. Allele origin: germline.
Comment: The p.N371H variant (also known as c.1111A>C), located in coding exon 10 of the PMS2 gene, results from an A to C substitution at nucleotide position 1111. The asparagine at codon 371 is replaced by histidine, an amino acid with similar properties. This amino acid position is not well conserved in available vertebrate species. In addition, this alteration is predicted to be tolerated by in silico analysis. Based on the available evidence, the clinical significance of this variant remains unclear.

Labcorp Genetics (formerly Invitae), Labcorp
Classification: Uncertain significance for Hereditary nonpolyposis colorectal neoplasms. Last evaluated: 2024-08-21. Review status: criteria provided, single submitter. Criteria: Invitae Variant Classification Sherloc (09022015). Collection method: clinical testing. Allele origin: germline.
Comment: This sequence change replaces asparagine, which is neutral and polar, with histidine, which is basic and polar, at codon 371 of the PMS2 protein (p.Asn371His). This variant is not present in population databases (gnomAD no frequency). This variant has not been reported in the literature in individuals affected with PMS2-related conditions. ClinVar contains an entry for this variant (Variation ID: 1365565). Invitae Evidence Modeling of protein sequence and biophysical properties (such as structural, functional, and spatial information, amino acid conservation, physicochemical variation, residue mobility, and thermodynamic stability) indicates that this missense variant is not expected to disrupt PMS2 protein function with a negative predictive value of 80%. In summary, the available evidence is currently insufficient to determine the role of this variant in disease. Therefore, it has been classified as a Variant of Uncertain Significance.

NM_000535.7(PMS2):c.1111A>C (p.Asn371His)

Gene: PMS2 (PMS1 homolog 2, mismatch repair system component; minus strand). Cytogenetic location: 7p22.1.
Variant type: single nucleotide variant.
Coding change: c.1111A>C on transcript NM_000535.7 (MANE Select); coding-DNA position 1111, A replaced by C.
Protein change: p.Asn371His; replaces asparagine 371 with histidine.
Molecular consequence: missense variant. On other transcripts: non-coding transcript variant (1), intron variant (2).
Genome position (GRCh38, 1-based): chr7:5,989,833, T>G on the plus strand (A>C on the coding strand, the complement: PMS2 is on the minus strand). VCF-style: chr7-5989833-T-G. GRCh37 (hg19) VCF-style: chr7-6029464-T-G.
Other names: c.706A>C, p.Asn236His (NM_001322003.2, NM_001322004.2, NM_001322005.2 and 1 more transcripts); c.793A>C, p.Asn265His (NM_001322007.2, NM_001322008.2); c.178A>C, p.Asn60His (NM_001322011.2, NM_001322012.2); c.538A>C, p.Asn180His (NM_001322013.2); c.1111A>C, p.Asn371His (NM_001322014.2); c.802A>C, p.Asn268His (NM_001322015.2); c.583+2140A>C (NM_001322010.2); c.988+2140A>C (NM_001322006.2); and 1 more; short protein forms N60H, N180H, N236H, N268H, N265H, N371H.
Identifiers: ClinVar variation 1365565 (VCV001365565.8), dbSNP rs1217473969, ClinGen allele CA366742784.
Genomic context (GRCh38, chr7:5,989,833, plus strand): 5'-GCTGTTTGTACACTGTATTTTTCTTACCTTCAACATCCAGCAGTGGCTGCTGACTGACAT[T>G]TAGCTTGTTGACATCACTATCAAACATTCCTATCAAAGAGGTCTTTAAAACTGCCAACAA-3'
Protein context (NP_000526.2, residues 361-381): GMFDSDVNKL[Asn371His]VSQQPLLDVE